The following is an entry in ClinVar:

ClinVar aggregate classification (germline): Uncertain significance. Review status: criteria provided, multiple submitters, no conflicts (2 of 4 stars). 3 submissions from 3 submitters: Uncertain significance (3). Last evaluated 2024-07-08.

Conditions:
Inborn genetic diseases. Identifiers: MedGen C0950123, MeSH D030342.
Meckel-Gruber syndrome. Also called: Dysencephalia splachnocystica; DYSENCEPHALIA SPLANCHNOCYSTICA; GRUBER SYNDROME. Identifiers: Orphanet 564, MedGen C0265215, MONDO:0018921.
Joubert syndrome. Also called: Familial aplasia of the vermis; CEREBELLOPARENCHYMAL DISORDER IV; JOUBERT-BOLTSHAUSER SYNDROME. Identifiers: Orphanet 475, MedGen C5979921, MONDO:0018772.
Joubert syndrome 13 (JBTS13). Identifiers: Orphanet 475, MedGen C3280031, MONDO:0013608, OMIM 614173.

Allele frequency attached by ClinVar (database versions not stated): gnomAD exomes 0.00001 and 0.00007; ExAC 0.00002; TOPMed 0.00003; gnomAD 0.00005.
gnomAD v4.1: 102 of 1,596,578 alleles (0.0064%); highest among the groups gnomAD compares: Non-Finnish European, 0.0086%; no homozygotes.

Submissions (3):

Labcorp Genetics (formerly Invitae), Labcorp
Classification: Uncertain significance for Joubert syndrome; Meckel-Gruber syndrome. Last evaluated: 2024-07-08. Review status: criteria provided, single submitter. Criteria: Invitae Variant Classification Sherloc (09022015). Collection method: clinical testing. Allele origin: germline.
Comment: This sequence change replaces valine, which is neutral and non-polar, with isoleucine, which is neutral and non-polar, at codon 71 of the TCTN1 protein (p.Val71Ile). This variant is present in population databases (rs776696098, gnomAD 0.004%). This variant has not been reported in the literature in individuals affected with TCTN1-related conditions. ClinVar contains an entry for this variant (Variation ID: 307204). Advanced modeling of protein sequence and biophysical properties (such as structural, functional, and spatial information, amino acid conservation, physicochemical variation, residue mobility, and thermodynamic stability) performed at Invitae indicates that this missense variant is not expected to disrupt TCTN1 protein function with a negative predictive value of 80%. In summary, the available evidence is currently insufficient to determine the role of this variant in disease. Therefore, it has been classified as a Variant of Uncertain Significance.

Ambry Genetics
Classification: Uncertain significance for Inborn genetic diseases. Last evaluated: 2023-12-06. Review status: criteria provided, single submitter. Criteria: Ambry Variant Classification Scheme 2023. Collection method: clinical testing. Allele origin: germline.

Illumina Laboratory Services, Illumina
Classification: Uncertain significance for Joubert syndrome 13. Last evaluated: 2018-01-13. Review status: criteria provided, single submitter. Criteria: ICSL Variant Classification Criteria 13 December 2019. Collection method: clinical testing. Allele origin: germline.

NM_001082538.3(TCTN1):c.211G>A (p.Val71Ile)

Gene: TCTN1 (tectonic family member 1; plus strand). Cytogenetic location: 12q24.11.
Variant type: single nucleotide variant.
Coding change: c.211G>A on transcript NM_001082538.3 (MANE Select); coding-DNA position 211, G replaced by A.
Protein change: p.Val71Ile; replaces valine 71 with isoleucine.
Molecular consequence: missense variant. On other transcripts: 5 prime UTR variant (4), non-coding transcript variant (1).
Genome position (GRCh38, 1-based): chr12:110,614,393, G>A. VCF-style: chr12-110614393-G-A. GRCh37 (hg19) VCF-style: chr12-111052198-G-A.
Other names: c.211G>A, p.Val71Ile (NM_001082537.3, NM_001319680.2, NM_024549.6); c.-19G>A (NM_001173975.3, NM_001319682.3); c.-46G>A (NM_001173976.2); c.-497G>A (NM_001319681.2); short protein forms V71I.
Identifiers: ClinVar variation 307204 (VCV000307204.14), dbSNP rs776696098, ClinGen allele CA6786470.